The following is an entry in ClinVar:

NM_000044.6(AR):c.2420G>A (p.Cys807Tyr)

Gene: AR (androgen receptor; plus strand). Cytogenetic location: Xq12.
Variant type: single nucleotide variant.
Coding change: c.2420G>A on transcript NM_000044.6 (MANE Select); coding-DNA position 2420, G replaced by A.
Protein change: p.Cys807Tyr; replaces cysteine 807 with tyrosine.
Molecular consequence: missense variant.
Genome position (GRCh38, 1-based): chrX:67,721,934, G>A. VCF-style: chrX-67721934-G-A. GRCh37 (hg19) VCF-style: chrX-66941776-G-A.
Other names: c.824G>A, p.Cys275Tyr (NM_001011645.3); short protein forms C807Y, C275Y.
Identifiers: ClinVar variation 418862 (VCV000418862.7), dbSNP rs1064793480, ClinGen allele CA16621466.

ClinVar aggregate classification (germline): Conflicting classifications of pathogenicity. Review status: criteria provided, conflicting classifications (1 of 4 stars). 2 submissions from 2 submitters: Pathogenic (1); Uncertain significance (1). Last evaluated 2021-08-13.

Conditions:
Androgen resistance syndrome (AIS). Also called: ANDROGEN RECEPTOR DEFICIENCY; DIHYDROTESTOSTERONE RECEPTOR DEFICIENCY; Androgen insensitivity syndrome; TESTICULAR FEMINIZATION SYNDROME; Androgen insensitivity; Androgen insensitivity syndrome due to coactivator deficiency. Identifiers: Orphanet 754, Orphanet 99429, MedGen C0039585, MONDO:0019154, OMIM 300068. Disease mechanism: loss of function.
Kennedy disease (SMAX1). Also called: SPINAL AND BULBAR MUSCULAR ATROPHY, X-LINKED 1; Spinal and Bulbar Muscular Atrophy; KENNEDY SPINAL AND BULBAR MUSCULAR ATROPHY. Identifiers: Orphanet 481, MedGen C1839259, MONDO:0010735, OMIM 313200.

Submissions (2):

Labcorp Genetics (formerly Invitae), Labcorp
Classification: Uncertain significance for Kennedy disease; Androgen resistance syndrome. Last evaluated: 2021-08-13. Review status: criteria provided, single submitter. Criteria: Invitae Variant Classification Sherloc (09022015). Collection method: clinical testing. Allele origin: germline.

GeneDx
Classification: Pathogenic. Last evaluated: 2015-05-07. Review status: criteria provided, single submitter. Criteria: GeneDx Variant Classification (06012015). Collection method: clinical testing. Allele origin: germline. Affected: yes.
Comment: The C807Y missense variant in the AR gene has been reported previously in association with partialandrogen insensitivity syndrome using alternate nomenclature (Brown et al., 1993). The substitution alters aresidue in the ligand-binding domain and we interpret C807Y as a pathogenic variant.